The following is an entry in ClinVar:

NM_000338.3(SLC12A1):c.760C>T (p.Pro254Ser)

Gene: SLC12A1 (solute carrier family 12 member 1; plus strand). Cytogenetic location: 15q21.1.
Variant type: single nucleotide variant.
Coding change: c.760C>T on transcript NM_000338.3 (MANE Select); coding-DNA position 760, C replaced by T.
Protein change: p.Pro254Ser; replaces proline 254 with serine.
Molecular consequence: missense variant.
Genome position (GRCh38, 1-based): chr15:48,229,224, C>T. VCF-style: chr15-48229224-C-T. GRCh37 (hg19) VCF-style: chr15-48521421-C-T.
Other names: c.760C>T, p.Pro254Ser (NM_001184832.2, NM_001384136.1); short protein forms P254S.
Identifiers: ClinVar variation 1026755 (VCV001026755.6), dbSNP rs367562995, ClinGen allele CA7546897.

ClinVar aggregate classification (germline): Uncertain significance. Review status: criteria provided, multiple submitters, no conflicts (2 of 4 stars). 2 submissions from 2 submitters: Uncertain significance (2). Last evaluated 2023-02-07.

Conditions:
Bartter disease type 1. Also called: HYPERPROSTAGLANDIN E SYNDROME 1; Bartter syndrome, type 1, antenatal; HYPOKALEMIC ALKALOSIS WITH HYPERCALCIURIA 1, ANTENATAL; Bartter Syndrome type 1. Identifiers: Orphanet 112, Orphanet 620217, MedGen C1866495, MONDO:0100344, OMIM 601678, MONDO:0011127.

Allele frequency attached by ClinVar (database versions not stated): TOPMed 0.00001.
gnomAD v4.1: 33 of 1,591,150 alleles (0.0021%); highest among the groups gnomAD compares: Admixed American, 0.014%; no homozygotes.

Submissions (2):

Baylor Genetics
Classification: Uncertain significance for Bartter disease type 1. Last evaluated: 2023-02-07. Review status: criteria provided, single submitter. Criteria: ACMG Guidelines, 2015. Collection method: clinical testing. Allele origin: unknown.

Labcorp Genetics (formerly Invitae), Labcorp
Classification: Uncertain significance. Last evaluated: 2022-05-20. Review status: criteria provided, single submitter. Criteria: Invitae Variant Classification Sherloc (09022015). Collection method: clinical testing. Allele origin: germline.
Comment: This sequence change replaces proline, which is neutral and non-polar, with serine, which is neutral and polar, at codon 254 of the SLC12A1 protein (p.Pro254Ser). This variant is present in population databases (rs367562995, gnomAD 0.02%). This variant has not been reported in the literature in individuals affected with SLC12A1-related conditions. ClinVar contains an entry for this variant (Variation ID: 1026755). Algorithms developed to predict the effect of missense changes on protein structure and function (SIFT, PolyPhen-2, Align-GVGD) all suggest that this variant is likely to be disruptive. In summary, the available evidence is currently insufficient to determine the role of this variant in disease. Therefore, it has been classified as a Variant of Uncertain Significance.